The following is an entry in ClinVar:

ClinVar aggregate classification (germline): Uncertain significance (1 of 4 stars; one submission).

Conditions:
Mild NDD.

Submission:

Genetics and Personalized Medicine, Danish Epilepsy Center
Classification: Uncertain significance for Mild NDD. Last evaluated: 2025-07-03. Review status: criteria provided, single submitter. Criteria: ACMG Guidelines, 2015. Collection method: clinical testing. Allele origin: maternal. Inheritance: Autosomal recessive inheritance. Affected: yes.
Comment: PM1, PM2, PP4

NM_001378328.1(CELSR1):c.7456G>C (p.Ala2486Pro)

Genes: CELSR1 (cadherin EGF LAG seven-pass G-type receptor 1; minus strand), LOC121627952 (CDK7 strongly-dependent group 2 enhancer GRCh37_chr22:46772879-46774078; plus strand). Cytogenetic location: 22q13.31.
Variant type: single nucleotide variant.
Coding change: c.7456G>C on transcript NM_001378328.1 (MANE Select); coding-DNA position 7456, G replaced by C.
Protein change: p.Ala2486Pro; replaces alanine 2486 with proline.
Molecular consequence: missense variant.
Genome position (GRCh38, 1-based): chr22:46,377,189, C>G on the plus strand (G>C on the coding strand, the complement: CELSR1 is on the minus strand). VCF-style: chr22-46377189-C-G. GRCh37 (hg19) VCF-style: chr22-46773086-C-G.
Other names: c.7456G>C, p.Ala2486Pro (NM_014246.4); short protein forms A2486P.
Identifiers: ClinVar variation 4073566 (VCV004073566.1).
Genomic context (GRCh38, chr22:46,377,189, plus strand): 5'-GCTTGTGAATGCTGTGCAGGTTGGAGCGCAGCATGCGGACCAGGCTCAGGAGGACGAAGG[C>G]CACCAGCAGGGCTGCCAGTGACAAGGACACAGCGGCATAGGTGACAATCTTCAGAGGCAG-3'
Protein context (NP_001365257.1, residues 2476-2496): VSLSLAALLV[Ala2486Pro]FVLLSLVRML